The following is an entry in ClinVar:

ClinVar aggregate classification (germline): Likely benign. Review status: criteria provided, single submitter (1 of 4 stars). 2 submissions from 2 submitters: Likely benign (1). 1 of the submissions does not count toward it. Last evaluated 2024-06-24.

Conditions:
OAT-related disorder. Also called: OAT-related condition.
Ornithine aminotransferase deficiency (GACR). Also called: OKT DEFICIENCY; Ornithine ketoacid aminotransferase deficiency; Gyrate atrophy; Gyrate atrophy of choroid and retina; Girate atrophy of the retina; HYPERORNITHINEMIA WITH GYRATE ATROPHY OF CHOROID AND RETINA. Identifiers: Orphanet 414, MedGen C0018425, MONDO:0009796, OMIM 258870.

Allele frequency attached by ClinVar (database versions not stated): ExAC 0.00002; gnomAD exomes 0.00002; TOPMed 0.00003; gnomAD 0.00004.
gnomAD v4.1: 26 of 1,610,442 alleles (0.0016%); highest among the groups gnomAD compares: African/African-American, 0.004%; no homozygotes.

Submissions (2):

Labcorp Genetics (formerly Invitae), Labcorp
Classification: Likely benign for Ornithine aminotransferase deficiency. Last evaluated: 2024-06-24. Review status: criteria provided, single submitter. Criteria: Invitae Variant Classification Sherloc (09022015). Collection method: clinical testing. Allele origin: germline.

PreventionGenetics, part of Exact Sciences
Classification: Likely benign for OAT-related condition. Last evaluated: 2019-03-20. Review status: no assertion criteria provided. Collection method: clinical testing. Allele origin: germline. Not counted in ClinVar's aggregate classification.
Comment: This variant is classified as likely benign based on ACMG/AMP sequence variant interpretation guidelines (Richards et al. 2015 PMID: 25741868, with internal and published modifications).

NM_000274.4(OAT):c.1002C>T (p.Ile334=)

Gene: OAT (ornithine aminotransferase; minus strand). Cytogenetic location: 10q26.13.
Variant type: single nucleotide variant.
Coding change: c.1002C>T on transcript NM_000274.4 (MANE Select); coding-DNA position 1002, C replaced by T.
Protein change: p.Ile334=; no amino-acid change (isoleucine 334 retained).
Molecular consequence: synonymous variant.
Genome position (GRCh38, 1-based): chr10:124,401,738, G>A on the plus strand (C>T on the coding strand, the complement: OAT is on the minus strand). VCF-style: chr10-124401738-G-A. GRCh37 (hg19) VCF-style: chr10-126090307-G-A.
Other names: c.588C>T, p.Ile196= (NM_001171814.2); c.1002C>T, p.Ile334= (NM_001322965.2, NM_001322966.2, NM_001322967.2 and 3 more transcripts); c.681C>T, p.Ile227= (NM_001322971.2); c.402C>T, p.Ile134= (NM_001322974.2); c.1002C>T (NM_000274.3).
Identifiers: ClinVar variation 1078917 (VCV001078917.11), dbSNP rs757744354, ClinGen allele CA5733366.